The following is an entry in ClinVar:

ClinVar aggregate classification (germline): Uncertain significance (1 of 4 stars; one submission).

Allele frequency attached by ClinVar (database versions not stated): gnomAD exomes below 0.00001.
gnomAD v4.1: 1 of 1,592,330 alleles (0.000063%); highest among the groups gnomAD compares: South Asian, 0.0011%; no homozygotes.

Submission:

Labcorp Genetics (formerly Invitae), Labcorp
Classification: Uncertain significance. Last evaluated: 2022-10-13. Review status: criteria provided, single submitter. Criteria: Invitae Variant Classification Sherloc (09022015). Collection method: clinical testing. Allele origin: germline.
Comment: Algorithms developed to predict the effect of missense changes on protein structure and function (SIFT, PolyPhen-2, Align-GVGD) all suggest that this variant is likely to be tolerated. In summary, the available evidence is currently insufficient to determine the role of this variant in disease. Therefore, it has been classified as a Variant of Uncertain Significance. This variant has not been reported in the literature in individuals affected with SCLT1-related conditions. This variant is not present in population databases (gnomAD no frequency). This sequence change replaces glutamic acid, which is acidic and polar, with lysine, which is basic and polar, at codon 17 of the SCLT1 protein (p.Glu17Lys).

NM_144643.4(SCLT1):c.49G>A (p.Glu17Lys)

Gene: SCLT1 (sodium channel and clathrin linker 1; minus strand). Cytogenetic location: 4q28.2.
Variant type: single nucleotide variant.
Coding change: c.49G>A on transcript NM_144643.4 (MANE Select); coding-DNA position 49, G replaced by A.
Protein change: p.Glu17Lys; replaces glutamic acid 17 with lysine.
Molecular consequence: missense variant.
Genome position (GRCh38, 1-based): chr4:129,082,359, C>T on the plus strand (G>A on the coding strand, the complement: SCLT1 is on the minus strand). VCF-style: chr4-129082359-C-T. GRCh37 (hg19) VCF-style: chr4-130003514-C-T.
Other names: c.49G>A, p.Glu17Lys (NM_001300897.2, NM_001300898.2, NM_001410807.1); short protein forms E17K.
Identifiers: ClinVar variation 2043347 (VCV002043347.4), dbSNP rs2531327908, ClinGen allele CA358237925.